The following is an entry in ClinVar:

ClinVar aggregate classification (germline): Uncertain significance (1 of 4 stars; one submission).

Conditions:
Juvenile polyposis syndrome (JPS). Identifiers: Orphanet 2929, MedGen C0345893, MONDO:0017380, OMIM 174900.

Submission:

Labcorp Genetics (formerly Invitae), Labcorp
Classification: Uncertain significance for Juvenile polyposis syndrome. Last evaluated: 2025-10-03. Review status: criteria provided, single submitter. Criteria: Invitae Variant Classification Sherloc (09022015). Collection method: clinical testing. Allele origin: germline.
Comment: This sequence change replaces glycine, which is neutral and non-polar, with valine, which is neutral and non-polar, at codon 145 of the SMAD4 protein (p.Gly145Val). This variant is not present in population databases (gnomAD no frequency). This variant has not been reported in the literature in individuals affected with SMAD4-related conditions. Invitae Evidence Modeling of protein sequence and biophysical properties (such as structural, functional, and spatial information, amino acid conservation, physicochemical variation, residue mobility, and thermodynamic stability) has been performed for this missense variant. However, the output from this modeling did not meet the statistical confidence thresholds required to predict the impact of this variant on SMAD4 protein function. Algorithms developed to predict the effect of sequence changes on RNA splicing suggest that this variant may disrupt the consensus splice site. In summary, the available evidence is currently insufficient to determine the role of this variant in disease. Therefore, it has been classified as a Variant of Uncertain Significance.

NM_005359.6(SMAD4):c.434G>T (p.Gly145Val)

Gene: SMAD4 (SMAD family member 4; plus strand). Cytogenetic location: 18q21.2.
Variant type: single nucleotide variant.
Coding change: c.434G>T on transcript NM_005359.6 (MANE Select); coding-DNA position 434, G replaced by T.
Protein change: p.Gly145Val; replaces glycine 145 with valine.
Molecular consequence: missense variant. On other transcripts: non-coding transcript variant (2).
Genome position (GRCh38, 1-based): chr18:51,049,304, G>T. VCF-style: chr18-51049304-G-T. GRCh37 (hg19) VCF-style: chr18-48575674-G-T.
Other names: c.434G>T, p.Gly145Val (NM_001407041.1, NM_001407042.1, NM_001407043.1); short protein forms G145V.
Identifiers: ClinVar variation 4803019 (VCV004803019.1).